The following is an entry in ClinVar:

NM_004415.4(DSP):c.4041A>G (p.Glu1347=)

Gene: DSP (desmoplakin; plus strand). Cytogenetic location: 6p24.3.
Variant type: single nucleotide variant.
Coding change: c.4041A>G on transcript NM_004415.4 (MANE Select); coding-DNA position 4041, A replaced by G.
Protein change: p.Glu1347=; no amino-acid change (glutamic acid 1347 retained).
Molecular consequence: synonymous variant. On other transcripts: intron variant (1).
Genome position (GRCh38, 1-based): chr6:7,580,231, A>G. VCF-style: chr6-7580231-A-G. GRCh37 (hg19) VCF-style: chr6-7580464-A-G.
Other names: p.Glu1347=; c.4041A>G (LRG_423t1, NM_004415.3); c.4041A>G, p.Glu1347= (NM_001319034.2); c.3582+459A>G (NM_001008844.3).
Identifiers: ClinVar variation 388741 (VCV000388741.39), dbSNP rs200671552, ClinGen allele CA039947.
Genomic context (GRCh38, chr6:7,580,231, plus strand): 5'-CGAGAGACTCAAAGCTGAGTTTCAGGAGGAGGCCAAGCGCCGCTGGGAATATGAAAATGA[A>G]CTGAGTAAGGTAAGAAACAATTATGATGAGGAGATCATTAGCTTAAAAAATCAGTTTGAG-3'
Protein context (NP_004406.2, residues 1337-1357): EAKRRWEYEN[Glu1347=]LSKVRNNYDE

ClinVar aggregate classification (germline): Likely benign. Review status: criteria provided, multiple submitters, no conflicts (2 of 4 stars). 7 submissions from 7 submitters: Likely benign (6). 1 of the submissions does not count toward it. Last evaluated 2026-08-01.

Conditions:
DSP-related disorder. Also called: DSP-related disorders; DSP-related condition.
Cardiovascular phenotype. Identifiers: MedGen CN230736.
Arrhythmogenic cardiomyopathy with wooly hair and keratoderma. Also called: Dilated cardiomyopathy with woolly hair and keratoderma; Carvajal syndrome; Arrhythmogenic cardiomyopathy with woolly hair and keratoderma; PALMOPLANTAR KERATODERMA WITH LEFT VENTRICULAR CARDIOMYOPATHY AND WOOLLY HAIR. Identifiers: Orphanet 65282, MedGen C1854063, MONDO:0011581, OMIM 605676.
Arrhythmogenic right ventricular dysplasia 8 (ARVD8). Also called: Arrhythmogenic Right Ventricular Dysplasia/Cardiomyopathy 8; ARRHYTHMOGENIC RIGHT VENTRICULAR CARDIOMYOPATHY 8; ARRHYTHMOGENIC RIGHT VENTRICULAR DYSPLASIA, FAMILIAL, 8. Identifiers: MedGen C1843896, MONDO:0011831, OMIM 607450.
Cardiomyopathy (CMYO). Also called: Cardiomyopathies. Identifiers: Orphanet 167848, MedGen C0878544, MONDO:0004994, HP:0001638. Inheritance: Various modes of inheritance.

Allele frequency attached by ClinVar (database versions not stated): TOPMed 0.00001; ExAC 0.00002; gnomAD exomes 0.00002; gnomAD 0.00003; 1000 Genomes Project 30x 0.00016; 1000 Genomes Project 0.00020.
gnomAD v4.1: 40 of 1,614,070 alleles (0.0025%); highest among the groups gnomAD compares: Middle Eastern, 0.049%; no homozygotes.

Submissions (7):

CeGaT Center for Human Genetics Tuebingen
Classification: Likely benign. Last evaluated: 2026-08-01. Review status: criteria provided, single submitter. Criteria: CeGaT Center For Human Genetics Tuebingen Variant Classification Criteria Version 2. Collection method: clinical testing. Allele origin: germline. Affected: yes. Observed: 3 variant alleles.
Comment: DSP: BP4, BP7

Labcorp Genetics (formerly Invitae), Labcorp
Classification: Likely benign for Arrhythmogenic cardiomyopathy with wooly hair and keratoderma; Arrhythmogenic right ventricular dysplasia 8. Last evaluated: 2026-01-07. Review status: criteria provided, single submitter. Criteria: Invitae Variant Classification Sherloc (09022015). Collection method: clinical testing. Allele origin: germline.

Mayo Clinic Laboratories, Mayo Clinic
Classification: Likely benign. Last evaluated: 2024-12-31. Review status: criteria provided, single submitter. Criteria: ACMG Guidelines, 2015. Collection method: clinical testing. Allele origin: germline. Observed: 1 variant allele.
Comment: BP4, BP7

Ambry Genetics
Classification: Likely benign for Cardiovascular phenotype. Last evaluated: 2021-11-01. Review status: criteria provided, single submitter. Criteria: Ambry Variant Classification Scheme 2023. Collection method: clinical testing. Allele origin: germline.

Color Diagnostics, LLC DBA Color Health
Classification: Likely benign for Cardiomyopathy. Last evaluated: 2018-10-17. Review status: criteria provided, single submitter. Criteria: ACMG Guidelines, 2015. Collection method: clinical testing. Allele origin: germline.

GeneDx
Classification: Likely benign. Last evaluated: 2016-08-16. Review status: criteria provided, single submitter. Criteria: GeneDx Variant Classification (06012015). Collection method: clinical testing. Allele origin: germline. Affected: yes.
Comment: This variant is considered likely benign or benign based on one or more of the following criteria: it is a conservative change, it occurs at a poorly conserved position in the protein, it is predicted to be benign by multiple in silico algorithms, and/or has population frequency not consistent with disease.

PreventionGenetics, part of Exact Sciences
Classification: Likely benign for DSP-related condition. Last evaluated: 2024-04-04. Review status: no assertion criteria provided. Collection method: clinical testing. Allele origin: germline. Not counted in ClinVar's aggregate classification.
Comment: This variant is classified as likely benign based on ACMG/AMP sequence variant interpretation guidelines (Richards et al. 2015 PMID: 25741868, with internal and published modifications).